The following is an entry in ClinVar:

ClinVar aggregate classification (germline): Uncertain significance. Review status: criteria provided, multiple submitters, no conflicts (2 of 4 stars). 2 submissions from 2 submitters: Uncertain significance (2). Last evaluated 2025-03-20.

Conditions:
Shprintzen-Goldberg syndrome (SGS). Also called: Marfanoid disorder with craniosynostosis type 1; Marfanoid craniosynostosis syndrome; Shprintzen-Goldberg marfanoid syndrome; SHPRINTZEN-GOLDBERG CRANIOSYNOSTOSIS SYNDROME; CRANIOSYNOSTOSIS WITH ARACHNODACTYLY AND ABDOMINAL HERNIAS. Identifiers: Orphanet 2462, MedGen C1321551, MONDO:0008426, OMIM 182212.

Allele frequency attached by ClinVar (database versions not stated): gnomAD exomes below 0.00001; TOPMed below 0.00001.

Submissions (2):

GeneDx
Classification: Uncertain significance. Last evaluated: 2025-03-20. Review status: criteria provided, single submitter. Criteria: GeneDx Variant Classification Process June 2021. Collection method: clinical testing. Allele origin: germline. Affected: yes.
Comment: Not observed at significant frequency in large population cohorts (gnomAD); In-frame deletion of 1 amino acid(s) in a non-repeat region; In silico analysis supports a deleterious effect on protein structure/function; Has not been previously published as pathogenic or benign to our knowledge

Labcorp Genetics (formerly Invitae), Labcorp
Classification: Uncertain significance for Shprintzen-Goldberg syndrome. Last evaluated: 2019-03-12. Review status: criteria provided, single submitter. Criteria: Invitae Variant Classification Sherloc (09022015). Collection method: clinical testing. Allele origin: germline.
Comment: This variant, c.1485_1487del, results in the deletion of 1 amino acid(s) of the SKI protein (p.Leu496del), but otherwise preserves the integrity of the reading frame. This variant is not present in population databases (ExAC no frequency). This variant has not been reported in the literature in individuals with SKI-related conditions. Experimental studies and prediction algorithms are not available for this variant, and the functional significance of the affected amino acid(s) is currently unknown. In summary, the available evidence is currently insufficient to determine the role of this variant in disease. Therefore, it has been classified as a Variant of Uncertain Significance.

NM_003036.4(SKI):c.1485_1487del (p.Leu496del)

Gene: SKI (SKI proto-oncogene; plus strand). Cytogenetic location: 1p36.32.
Variant type: Deletion.
Coding change: c.1485_1487del on transcript NM_003036.4 (MANE Select); coding-DNA positions 1485 to 1487, 3 bases deleted (CTT; older notation c.1485_1487delCTT).
Protein change: p.Leu496del; deletes leucine 496.
Molecular consequence: inframe deletion.
Genome position (GRCh38, 1-based): chr1:2,304,303-2,304,305, CTT deleted. VCF-style (leftmost placement, unchanged base first): chr1-2304302-CCTT-C. GRCh37 (hg19) VCF-style: chr1-2235741-CCTT-C.
Other names: short protein forms L496del.
Identifiers: ClinVar variation 846901 (VCV000846901.10), dbSNP rs1640510054, ClinGen allele CA916081986.